The following is an entry in ClinVar:

NM_001347674.1(KRTAP5-4):c.131G>A (p.Gly44Asp)

Gene: KRTAP5-4 (keratin associated protein 5-4; minus strand). Cytogenetic location: 11p15.5.
Variant type: single nucleotide variant.
Coding change: c.131G>A on transcript NM_001347674.1 (MANE Select); coding-DNA position 131, G replaced by A.
Protein change: p.Gly44Asp; replaces glycine 44 with aspartic acid.
Molecular consequence: missense variant.
Genome position (GRCh38, 1-based): chr11:1,621,963, C>T on the plus strand (G>A on the coding strand, the complement: KRTAP5-4 is on the minus strand). VCF-style: chr11-1621963-C-T. GRCh37 (hg19) VCF-style: chr11-1643193-C-T.
Other names: c.131G>A (NM_001012709.1); short protein forms G44D.
Identifiers: ClinVar variation 4095736 (VCV004095736.1).
Genomic context (GRCh38, chr11:1,621,963, plus strand): 5'-GGCACACAGCAGCACACAGGTTTGCAGCAGCAGATGGGCACACAGCAGCTGGAGCCACAG[C>T]CCCCACAGCCGGAGCCACAGCCCCCACAGCCGGAGCCACAGCCCCCACAGCCAGAGCCAC-3'
Protein context (NP_001334603.1, residues 34-54): GCGGCGSGCG[Gly44Asp]CGSSCCVPIC

ClinVar aggregate classification (germline): Uncertain significance (1 of 4 stars; one submission).

Submission:

Ambry Genetics
Classification: Uncertain significance. Last evaluated: 2025-09-05. Review status: criteria provided, single submitter. Criteria: Ambry Variant Classification Scheme 2023. Collection method: clinical testing. Allele origin: germline.
Comment: The c.131G>A (p.G44D) alteration is located in exon (coding exon ) of the KRTAP5-4 gene. This alteration results from a G to A substitution at nucleotide position 131, causing the glycine (G) at amino acid position 44 to be replaced by an aspartic acid (D). Based on insufficient or conflicting evidence, the clinical significance of this alteration remains unclear.